The following is an entry in ClinVar:

NM_001330078.2(NRXN1):c.3499C>T (p.Arg1167Ter)

Gene: NRXN1 (neurexin 1; minus strand). Cytogenetic location: 2p16.3.
Variant type: single nucleotide variant.
Coding change: c.3499C>T on transcript NM_001330078.2 (MANE Select); coding-DNA position 3499, C replaced by T.
Protein change: p.Arg1167Ter; replaces arginine 1167 with a stop codon.
Molecular consequence: nonsense.
Genome position (GRCh38, 1-based): chr2:50,236,836, G>A on the plus strand (C>T on the coding strand, the complement: NRXN1 is on the minus strand). VCF-style: chr2-50236836-G-A. GRCh37 (hg19) VCF-style: chr2-50463974-G-A.
Other names: c.3619C>T, p.Arg1207Ter (NM_001135659.3); c.394C>T, p.Arg132Ter (NM_001330092.2, NM_001330097.2, NM_138735.5 and 1 more transcripts); c.3496C>T, p.Arg1166Ter (NM_001330093.2); c.3487C>T, p.Arg1163Ter (NM_001330094.2); c.3448C>T, p.Arg1150Ter (NM_001330095.2); c.3388C>T, p.Arg1130Ter (NM_001330096.2, NM_001330087.2); c.3499C>T, p.Arg1167Ter (NM_004801.6, NM_001330086.2); c.3475C>T, p.Arg1159Ter (NM_001330077.2, NM_001330082.2); and 3 more; short protein forms R1207*, R1140*, R1150*, R132*, R1158*, R1163*, R1166*, R1167*.
Identifiers: ClinVar variation 194930 (VCV000194930.15), dbSNP rs199546979, ClinGen allele CA241167.

ClinVar aggregate classification (germline): Conflicting classifications of pathogenicity. Review status: criteria provided, conflicting classifications (1 of 4 stars). 5 submissions from 5 submitters: Pathogenic (2); Likely pathogenic (1); Uncertain significance (1). 1 of the submissions does not count toward it. Last evaluated 2024-05-30.

Conditions:
Pitt-Hopkins-like syndrome 2 (PTHSL2). Identifiers: Orphanet 221150, Orphanet 600663, MedGen C3280479, MONDO:0013690, OMIM 614325.
Chromosome 2p16.3 deletion syndrome. Identifiers: MedGen C3808494, MONDO:0013696, OMIM 614332.
Obesity. Also called: Obesity disorder. Identifiers: Orphanet 71529, MedGen C0028754, MeSH D009765, MONDO:0011122, HP:0001513.

Allele frequency attached by ClinVar (database versions not stated): gnomAD exomes below 0.00001.
gnomAD v4.1: 1 of 1,613,226 alleles (0.000062%); highest among the groups gnomAD compares: Non-Finnish European, 0.000085%; no homozygotes.

Submissions (5):

GeneDx
Classification: Likely pathogenic. Last evaluated: 2024-05-30. Review status: criteria provided, single submitter. Criteria: GeneDx Variant Classification Process June 2021. Collection method: clinical testing. Allele origin: germline. Affected: yes.
Comment: Nonsense variant predicted to result in protein truncation or nonsense mediated decay in a gene for which loss of function is a known mechanism of disease; Identified in the heterozygous state in an individual with autism, epilepsy, and developmental delay, although the inheritance is unknown (PMID: 29056246); Not observed at significant frequency in large population cohorts (gnomAD); This variant is associated with the following publications: (PMID: 29056246)

Genetics and Molecular Pathology, SA Pathology
Classification: Pathogenic for Pitt-Hopkins-like syndrome 2. Last evaluated: 2021-01-25. Review status: criteria provided, single submitter. Criteria: ACMG Guidelines, 2015. Collection method: clinical testing. Allele origin: germline. Affected: yes.

Eurofins Ntd Llc (ga)
Classification: Uncertain significance. Last evaluated: 2018-06-12. Review status: criteria provided, single submitter. Criteria: EGL ClinVar v180209 classification definitions. Collection method: clinical testing. Allele origin: germline. Observed: 1 variant allele, 1 heterozygote.

Juno Genomics, Hangzhou Juno Genomics, Inc
Classification: Pathogenic for Chromosome 2p16.3 deletion syndrome; Pitt-Hopkins-like syndrome 2. Review status: criteria provided, single submitter. Criteria: ACMG Guidelines, 2015. Collection method: clinical testing. Allele origin: germline. Affected: yes.
Comment: Absent from controls (or at extremely low frequency if recessive) in Genome Aggregation Database, Exome Sequencing Project, 1000 Genomes Project, or Exome Aggregation Consortium.;Null variant in a gene where loss of function (LOF) is a known mechanism of disease.;The prevalence of the variant in affected individuals is significantly increased compared to the prevalence in controls.

Dash Lab, University Health Network
Classification: Likely pathogenic for Obesity. Last evaluated: 2018-07-01. Review status: no assertion criteria provided. Collection method: research. Allele origin: germline. Affected: yes. Not counted in ClinVar's aggregate classification.
Comment: Single case. Extreme obesity, non-specific learning disorder, anxiety and depression